The following is an entry in ClinVar:

ClinVar aggregate classification (germline): Pathogenic (1 of 4 stars; one submission).

Submission:

GeneDx
Classification: Pathogenic. Last evaluated: 2016-10-10. Review status: criteria provided, single submitter. Criteria: GeneDx Variant Classification (06012015). Collection method: clinical testing. Allele origin: germline. Affected: yes.
Comment: The L4227S variant in the HUWE1 gene has not been published as a pathogenic variant, nor has it been reported as a benign polymorphism to our knowledge. The L4227S variant was not observed in approximately 6500 individuals of European and African American ancestry in the NHLBI Exome Sequencing Project, indicating it is not a common benign variant in these populations. The L4227S variant is a non-conservative amino acid substitution, which is likely to impact secondary protein structure as these residues differ in polarity, charge, size and/or other properties. This substitution occurs at a position within the HECT domain that is conserved across species. In silico analysis predicts this variant is probably damaging to the protein structure/function. Based on review of recent literature and internal GeneDx data in the context of the 2015 ACMG standards and guidelines for the interpretation of sequence variants (Richards et al., 2015), we now interpret L4227S as a pathogenic variant,

NM_031407.7(HUWE1):c.12680T>C (p.Leu4227Ser)

Gene: HUWE1 (HECT, UBA and WWE domain containing E3 ubiquitin protein ligase 1; minus strand). Cytogenetic location: Xp11.22.
Variant type: single nucleotide variant.
Coding change: c.12680T>C on transcript NM_031407.7 (MANE Select); coding-DNA position 12680, T replaced by C.
Protein change: p.Leu4227Ser; replaces leucine 4227 with serine.
Molecular consequence: missense variant.
Genome position (GRCh38, 1-based): chrX:53,534,667, A>G on the plus strand (T>C on the coding strand, the complement: HUWE1 is on the minus strand). VCF-style: chrX-53534667-A-G. GRCh37 (hg19) VCF-style: chrX-53561628-A-G.
Other names: short protein forms L4227S.
Identifiers: ClinVar variation 372628 (VCV000372628.2), dbSNP rs1057517893, ClinGen allele CA16043268.